The following is an entry in ClinVar:

ClinVar aggregate classification (germline): Uncertain significance. Review status: criteria provided, multiple submitters, no conflicts (2 of 4 stars). 2 submissions from 2 submitters: Uncertain significance (2). Last evaluated 2025-07-18.

Conditions:
Cardiovascular phenotype. Identifiers: MedGen CN230736.
Hereditary cancer-predisposing syndrome. Also called: Neoplastic Syndromes, Hereditary; Tumor predisposition; Hereditary neoplastic syndrome; Hereditary Cancer Syndrome. Identifiers: Orphanet 140162, MedGen C0027672, MeSH D009386, MONDO:0015356.
Neurofibromatosis, type 1 (NF1). Also called: Peripheral type neurofibromatosis; VON RECKLINGHAUSEN DISEASE; NEUROFIBROMATOSIS, TYPE I, SOMATIC; Neurofibromatosis, type I. Identifiers: Orphanet 636, MedGen C0027831, MONDO:0018975, OMIM 162200. Disease mechanism: loss of function.

Submissions (2):

Labcorp Genetics (formerly Invitae), Labcorp
Classification: Uncertain significance for Neurofibromatosis, type 1. Last evaluated: 2025-07-18. Review status: criteria provided, single submitter. Criteria: Invitae Variant Classification Sherloc (09022015). Collection method: clinical testing. Allele origin: germline.
Comment: This sequence change replaces aspartic acid, which is acidic and polar, with glutamic acid, which is acidic and polar, at codon 2614 of the NF1 protein (p.Asp2614Glu). This variant is not present in population databases (gnomAD no frequency). This variant has not been reported in the literature in individuals affected with NF1-related conditions. ClinVar contains an entry for this variant (Variation ID: 1760866). Invitae Evidence Modeling of protein sequence and biophysical properties (such as structural, functional, and spatial information, amino acid conservation, physicochemical variation, residue mobility, and thermodynamic stability) indicates that this missense variant is not expected to disrupt NF1 protein function with a negative predictive value of 95%. In summary, the available evidence is currently insufficient to determine the role of this variant in disease. Therefore, it has been classified as a Variant of Uncertain Significance.

Ambry Genetics
Classification: Uncertain significance for Cardiovascular phenotype; Hereditary cancer-predisposing syndrome. Last evaluated: 2021-12-03. Review status: criteria provided, single submitter. Criteria: Ambry Variant Classification Scheme 2023. Collection method: clinical testing. Allele origin: germline.
Comment: The p.D2614E variant (also known as c.7842T>G), located in coding exon 53 of the NF1 gene, results from a T to G substitution at nucleotide position 7842. The aspartic acid at codon 2614 is replaced by glutamic acid, an amino acid with highly similar properties. This amino acid position is highly conserved in available vertebrate species. In addition, this alteration is predicted to be tolerated by in silico analysis. Since supporting evidence is limited at this time, the clinical significance of this alteration remains unclear.

NM_001042492.3(NF1):c.7905T>G (p.Asp2635Glu)

Gene: NF1 (neurofibromin 1; plus strand). Cytogenetic location: 17q11.2.
Variant type: single nucleotide variant.
Coding change: c.7905T>G on transcript NM_001042492.3 (MANE Select); coding-DNA position 7905, T replaced by G.
Protein change: p.Asp2635Glu; replaces aspartic acid 2635 with glutamic acid.
Molecular consequence: missense variant.
Genome position (GRCh38, 1-based): chr17:31,357,304, T>G. VCF-style: chr17-31357304-T-G. GRCh37 (hg19) VCF-style: chr17-29684322-T-G.
Other names: c.7842T>G, p.Asp2614Glu (NM_000267.4); short protein forms D2635E, D2614E.
Identifiers: ClinVar variation 1760866 (VCV001760866.4), dbSNP rs2151583260, ClinGen allele CA399203430.